The following is an entry in ClinVar:

ClinVar aggregate classification (germline): Uncertain significance (1 of 4 stars; one submission).

Conditions:
Charcot-Marie-Tooth disease axonal type 2CC. Also called: CHARCOT-MARIE-TOOTH NEUROPATHY, TYPE 2CC. Identifiers: MedGen C4310790, MONDO:0014836, OMIM 616924.
Amyotrophic lateral sclerosis type 1 (ALS1). Also called: AMYOTROPHIC LATERAL SCLEROSIS 1, FAMILIAL. Identifiers: Orphanet 803, MedGen C1862939, MONDO:0007103, OMIM 105400.

Submission:

Juno Genomics, Hangzhou Juno Genomics, Inc
Classification: Uncertain significance for Amyotrophic lateral sclerosis type 1; Charcot-Marie-Tooth disease axonal type 2CC. Review status: criteria provided, single submitter. Criteria: ACMG Guidelines, 2015. Collection method: clinical testing. Allele origin: germline.
Comment: Absent from controls (or at extremely low frequency if recessive) in Genome Aggregation Database.

NM_021076.4(NEFH):c.2494del (p.Glu832fs)

Gene: NEFH (neurofilament heavy chain; plus strand). Cytogenetic location: 22q12.2.
Variant type: Deletion.
Coding change: c.2494del on transcript NM_021076.4 (MANE Select); coding-DNA position 2494, one base deleted (G; older notation c.2494delG).
Protein change: p.Glu832fs; shifts the reading frame from glutamic acid 832.
Molecular consequence: frameshift variant.
Genome position (GRCh38, 1-based): chr22:29,490,134, G deleted; the last of 2 consecutive G bases (chr22:29,490,133-29,490,134); deleting either gives the same sequence. VCF-style (leftmost placement, unchanged base first): chr22-29490132-AG-A. GRCh37 (hg19) VCF-style: chr22-29886121-AG-A.
Other names: short protein forms E832fs.
Identifiers: ClinVar variation 5006478 (VCV005006478.2).